The following is an entry in ClinVar:

NM_000260.4(MYO7A):c.2875C>T (p.Gln959Ter)

Gene: MYO7A (myosin VIIA; plus strand). Cytogenetic location: 11q13.5.
Variant type: single nucleotide variant.
Coding change: c.2875C>T on transcript NM_000260.4 (MANE Select); coding-DNA position 2875, C replaced by T.
Protein change: p.Gln959Ter; replaces glutamine 959 with a stop codon.
Molecular consequence: nonsense.
Genome position (GRCh38, 1-based): chr11:77,181,560, C>T. VCF-style: chr11-77181560-C-T. GRCh37 (hg19) VCF-style: chr11-76892606-C-T.
Other names: c.2875C>T, p.Gln959Ter (NM_001127180.2); c.2842C>T, p.Gln948Ter (NM_001369365.1); short protein forms Q959*, Q948*.
Identifiers: ClinVar variation 1386272 (VCV001386272.6), dbSNP rs1555084324, ClinGen allele CA381943265.
Genomic context (GRCh38, chr11:77,181,560, plus strand): 5'-CACTCAGACATGGTGGACAAGATGTTTGGCTTCCTGGGGACTTCAGGTGGCCTGCCAGGC[C>T]AGGAGGGCCAGGCACCTAGTGGCTTTGAGGTACCAGGCTAGGGACAGGGGCTCCAGAGGC-3'

ClinVar aggregate classification (germline): Pathogenic (1 of 4 stars; one submission).

Allele frequency attached by ClinVar (database versions not stated): gnomAD exomes below 0.00001.
gnomAD v4.1: 2 of 1,613,322 alleles (0.00012%); highest among the groups gnomAD compares: South Asian, 0.0022%; no homozygotes.

Submission:

Labcorp Genetics (formerly Invitae), Labcorp
Classification: Pathogenic. Last evaluated: 2021-11-05. Review status: criteria provided, single submitter. Criteria: Invitae Variant Classification Sherloc (09022015). Collection method: clinical testing. Allele origin: germline.
Comment: For these reasons, this variant has been classified as Pathogenic. This variant has not been reported in the literature in individuals affected with MYO7A-related conditions. This variant is present in population databases (no rsID available, gnomAD 0.003%). This sequence change creates a premature translational stop signal (p.Gln959*) in the MYO7A gene. It is expected to result in an absent or disrupted protein product. Loss-of-function variants in MYO7A are known to be pathogenic (PMID: 8900236, 25404053).

Literature cited by the submitters: PubMed 8900236; PubMed 25404053.